The following is an entry in ClinVar:

NM_182961.4(SYNE1):c.16388A>T (p.Lys5463Met)

Gene: SYNE1 (spectrin repeat containing nuclear envelope protein 1; minus strand). Cytogenetic location: 6q25.2.
Variant type: single nucleotide variant.
Coding change: c.16388A>T on transcript NM_182961.4 (MANE Select); coding-DNA position 16388, A replaced by T.
Protein change: p.Lys5463Met; replaces lysine 5463 with methionine.
Molecular consequence: missense variant.
Genome position (GRCh38, 1-based): chr6:152,318,864, T>A on the plus strand (A>T on the coding strand, the complement: SYNE1 is on the minus strand). VCF-style: chr6-152318864-T-A. GRCh37 (hg19) VCF-style: chr6-152639999-T-A.
Other names: c.16175A>T, p.Lys5392Met (NM_033071.5); short protein forms K5392M, K5463M.
Identifiers: ClinVar variation 1952301 (VCV001952301.2), dbSNP rs889398495, ClinGen allele CA150212119.

ClinVar aggregate classification (germline): Uncertain significance (1 of 4 stars; one submission).

Conditions:
Emery-Dreifuss muscular dystrophy 4, autosomal dominant (EDMD4). Also called: EMERY-DREIFUSS MUSCULAR DYSTROPHY 4 WITH VARIABLE FEATURES. Identifiers: Orphanet 261, MedGen C2751807, MONDO:0013071, OMIM 612998.
Autosomal recessive ataxia, Beauce type. Also called: SYNE1 Deficiency; Spinocerebellar ataxia, autosomal recessive 8; ATAXIA, RECESSIVE, OF BEAUCE; SYNE1-Related Autosomal Recessive Cerebellar Ataxia. Identifiers: Orphanet 88644, MedGen C1853116, MONDO:0012549, OMIM 610743.

Allele frequency attached by ClinVar (database versions not stated): gnomAD 0.00001; TOPMed 0.00001.
gnomAD v4.1: 2 of 1,614,000 alleles (0.00012%); highest among the groups gnomAD compares: Admixed American, 0.0017%; no homozygotes.

Submission:

Labcorp Genetics (formerly Invitae), Labcorp
Classification: Uncertain significance for Emery-Dreifuss muscular dystrophy 4, autosomal dominant; Autosomal recessive ataxia, Beauce type. Last evaluated: 2022-06-13. Review status: criteria provided, single submitter. Criteria: Invitae Variant Classification Sherloc (09022015). Collection method: clinical testing. Allele origin: germline.
Comment: This sequence change replaces lysine, which is basic and polar, with methionine, which is neutral and non-polar, at codon 5392 of the SYNE1 protein (p.Lys5392Met). This variant is not present in population databases (gnomAD no frequency). This variant has not been reported in the literature in individuals affected with SYNE1-related conditions. Algorithms developed to predict the effect of missense changes on protein structure and function (SIFT, PolyPhen-2, Align-GVGD) all suggest that this variant is likely to be disruptive. In summary, the available evidence is currently insufficient to determine the role of this variant in disease. Therefore, it has been classified as a Variant of Uncertain Significance.